The following is an entry in ClinVar:

ClinVar aggregate classification (germline): Uncertain significance. Review status: criteria provided, multiple submitters, no conflicts (2 of 4 stars). 3 submissions from 3 submitters: Uncertain significance (2). 1 of the submissions does not count toward it. Last evaluated 2024-08-13.

Conditions:
Familial hyperaldosteronism type II. Also called: FH II. Identifiers: Orphanet 404, MedGen C1854107, MONDO:0011576, OMIM 605635.
Epilepsy, idiopathic generalized, susceptibility to, 11 (EIG11). Identifiers: Orphanet 307, MedGen C2750893, MONDO:0011875, OMIM 607628.
Leukoencephalopathy with mild cerebellar ataxia and white matter edema (LKPAT). Also called: CLCN2-Related Leukoencephalopathy; Leukoencephalopathy with white matter edema; Brain white matter edema; Leukoencephalopathy with ataxia. Identifiers: Orphanet 363540, MedGen C4554120, MONDO:0014292, OMIM 615651. Disease mechanism: loss of function.

Allele frequency attached by ClinVar (database versions not stated): gnomAD 0.00002; TOPMed 0.00002; gnomAD exomes 0.00001.

Submissions (3):

Labcorp Genetics (formerly Invitae), Labcorp
Classification: Uncertain significance. Last evaluated: 2024-08-13. Review status: criteria provided, single submitter. Criteria: Invitae Variant Classification Sherloc (09022015). Collection method: clinical testing. Allele origin: germline.
Comment: This sequence change replaces valine, which is neutral and non-polar, with leucine, which is neutral and non-polar, at codon 339 of the CLCN2 protein (p.Val339Leu). This variant is present in population databases (rs532632165, gnomAD 0.002%). This missense change has been observed in individual(s) with clinical features of CLCN2-related conditions (PMID: 26539602). ClinVar contains an entry for this variant (Variation ID: 217786). Advanced modeling of protein sequence and biophysical properties (such as structural, functional, and spatial information, amino acid conservation, physicochemical variation, residue mobility, and thermodynamic stability) performed at Invitae indicates that this missense variant is expected to disrupt CLCN2 protein function with a positive predictive value of 80%. In summary, the available evidence is currently insufficient to determine the role of this variant in disease. Therefore, it has been classified as a Variant of Uncertain Significance.

Fulgent Genetics
Classification: Uncertain significance for Familial hyperaldosteronism type II; Epilepsy, idiopathic generalized, susceptibility to, 11; Leukoencephalopathy with mild cerebellar ataxia and white matter edema. Last evaluated: 2024-02-13. Review status: criteria provided, single submitter. Criteria: ACMG Guidelines, 2015. Collection method: clinical testing. Allele origin: germline.

GeneReviews
No classification provided. Condition: Leukoencephalopathy with mild cerebellar ataxia and white matter edema. Review status: no classification provided. Collection method: literature only. Allele origin: germline. Affected: yes. Not counted in ClinVar's aggregate classification.

Literature cited by the submitters: PubMed 26539602 (cited by Labcorp Genetics (formerly Invitae), Labcorp); NCBI Bookshelf NBK326661 (cited by GeneReviews).

NM_004366.6(CLCN2):c.1015G>C (p.Val339Leu)

Gene: CLCN2 (chloride voltage-gated channel 2; minus strand). Cytogenetic location: 3q27.1.
Variant type: single nucleotide variant.
Coding change: c.1015G>C on transcript NM_004366.6 (MANE Select); coding-DNA position 1015, G replaced by C.
Protein change: p.Val339Leu; replaces valine 339 with leucine.
Molecular consequence: missense variant.
Genome position (GRCh38, 1-based): chr3:184,357,063, C>G on the plus strand (G>C on the coding strand, the complement: CLCN2 is on the minus strand). VCF-style: chr3-184357063-C-G. GRCh37 (hg19) VCF-style: chr3-184074851-C-G.
Other names: c.1015G>C, p.Val339Leu (NM_001171087.3, NM_001171089.3); c.883G>C, p.Val295Leu (NM_001171088.3); short protein forms V339L, V295L.
Identifiers: ClinVar variation 217786 (VCV000217786.7), dbSNP rs532632165, ClinGen allele CA347626.